The following is an entry in ClinVar:

NM_002691.4(POLD1):c.1177A>C (p.Ile393Leu)

Gene: POLD1 (DNA polymerase delta 1, catalytic subunit; plus strand). Cytogenetic location: 19q13.33.
Variant type: single nucleotide variant.
Coding change: c.1177A>C on transcript NM_002691.4 (MANE Select); coding-DNA position 1177, A replaced by C.
Protein change: p.Ile393Leu; replaces isoleucine 393 with leucine.
Molecular consequence: missense variant. On other transcripts: non-coding transcript variant (1).
Genome position (GRCh38, 1-based): chr19:50,403,532, A>C. VCF-style: chr19-50403532-A-C. GRCh37 (hg19) VCF-style: chr19-50906789-A-C.
Other names: c.1177A>C, p.Ile393Leu (NM_001256849.1, NM_001308632.1); short protein forms I393L.
Identifiers: ClinVar variation 1740965 (VCV001740965.6), dbSNP rs2513977037, ClinGen allele CA406978507.

ClinVar aggregate classification (germline): Conflicting classifications of pathogenicity. Review status: criteria provided, conflicting classifications (1 of 4 stars). 2 submissions from 2 submitters: Uncertain significance (1); Likely benign (1). Last evaluated 2025-11-20.

Conditions:
Hereditary cancer-predisposing syndrome. Also called: Neoplastic Syndromes, Hereditary; Tumor predisposition; Hereditary neoplastic syndrome; Hereditary Cancer Syndrome. Identifiers: Orphanet 140162, MedGen C0027672, MeSH D009386, MONDO:0015356.
POLD1-related polyposis and colorectal cancer syndrome (CRCS10). Also called: COLORECTAL CANCER, SUSCEPTIBILITY TO, ON CHROMOSOME 19q; Colorectal cancer 10; Colorectal cancer, susceptibility to, 10. Identifiers: Orphanet 220460, MedGen C2675481, MONDO:0012953, OMIM 612591.

Submissions (2):

Ambry Genetics
Classification: Likely benign for Hereditary cancer-predisposing syndrome. Last evaluated: 2025-11-20. Review status: criteria provided, single submitter. Criteria: Ambry Variant Classification Scheme 2023. Collection method: clinical testing. Allele origin: germline.

Labcorp Genetics (formerly Invitae), Labcorp
Classification: Uncertain significance for POLD1-related polyposis and colorectal cancer syndrome. Last evaluated: 2025-03-30. Review status: criteria provided, single submitter. Criteria: Invitae Variant Classification Sherloc (09022015). Collection method: clinical testing. Allele origin: germline.
Comment: This sequence change replaces isoleucine, which is neutral and non-polar, with leucine, which is neutral and non-polar, at codon 393 of the POLD1 protein (p.Ile393Leu). This variant is not present in population databases (gnomAD no frequency). This variant has not been reported in the literature in individuals affected with POLD1-related conditions. ClinVar contains an entry for this variant (Variation ID: 1740965). Invitae Evidence Modeling of protein sequence and biophysical properties (such as structural, functional, and spatial information, amino acid conservation, physicochemical variation, residue mobility, and thermodynamic stability) indicates that this missense variant is not expected to disrupt POLD1 protein function with a negative predictive value of 80%. In summary, the available evidence is currently insufficient to determine the role of this variant in disease. Therefore, it has been classified as a Variant of Uncertain Significance.